The following is an entry in ClinVar:

ClinVar aggregate classification (germline): Uncertain significance (1 of 4 stars; one submission).

Allele frequency attached by ClinVar (database versions not stated): gnomAD exomes below 0.00001; TOPMed 0.00001; gnomAD 0.00001.
gnomAD v4.1: 3 of 1,583,306 alleles (0.00019%); highest among the groups gnomAD compares: African/African-American, 0.0013%; no homozygotes.

Submission:

Labcorp Genetics (formerly Invitae), Labcorp
Classification: Uncertain significance. Last evaluated: 2025-12-27. Review status: criteria provided, single submitter. Criteria: Invitae Variant Classification Sherloc (09022015). Collection method: clinical testing. Allele origin: germline.
Comment: This sequence change creates a premature translational stop signal (p.Glu1522*) in the MYH7B gene. It is expected to result in an absent or disrupted protein product. However, the current clinical and genetic evidence is not sufficient to establish whether loss-of-function variants in MYH7B cause disease. This variant is present in population databases (no rsID available, gnomAD 0.005%). This variant has not been reported in the literature in individuals affected with MYH7B-related conditions. ClinVar contains an entry for this variant (Variation ID: 2891953). Experimental studies and prediction algorithms are not available or were not evaluated, and the functional significance of this variant is currently unknown. In summary, the available evidence is currently insufficient to determine the role of this variant in disease. Therefore, it has been classified as a Variant of Uncertain Significance.

NM_020884.7(MYH7B):c.4438G>T (p.Glu1480Ter)

Gene: MYH7B (myosin heavy chain 7B; plus strand). Cytogenetic location: 20q11.22.
Variant type: single nucleotide variant.
Coding change: c.4438G>T on transcript NM_020884.7 (MANE Select); coding-DNA position 4438, G replaced by T.
Protein change: p.Glu1480Ter; replaces glutamic acid 1480 with a stop codon.
Molecular consequence: nonsense.
Genome position (GRCh38, 1-based): chr20:34,999,303, G>T. VCF-style: chr20-34999303-G-T. GRCh37 (hg19) VCF-style: chr20-33587106-G-T.
Other names: short protein forms E1480*.
Identifiers: ClinVar variation 2891953 (VCV002891953.3), dbSNP rs927262669, ClinGen allele CA313485125.